The following is an entry in ClinVar:

NM_000540.3(RYR1):c.9377G>C (p.Gly3126Ala)

Gene: RYR1 (ryanodine receptor 1; plus strand). Cytogenetic location: 19q13.2.
Variant type: single nucleotide variant.
Coding change: c.9377G>C on transcript NM_000540.3 (MANE Select); coding-DNA position 9377, G replaced by C.
Protein change: p.Gly3126Ala; replaces glycine 3126 with alanine.
Molecular consequence: missense variant.
Genome position (GRCh38, 1-based): chr19:38,512,388, G>C. VCF-style: chr19-38512388-G-C. GRCh37 (hg19) VCF-style: chr19-39003028-G-C.
Other names: c.9377G>C, p.Gly3126Ala (NM_001042723.2); short protein forms G3126A.
Identifiers: ClinVar variation 3385503 (VCV003385503.1).

ClinVar aggregate classification (germline): Uncertain significance (1 of 4 stars; one submission).

Conditions:
Malignant hyperthermia, susceptibility to, 1 (MHS1). Also called: Anesthesia related hyperthermia; Malignant hyperpyrexia; Fulminating hyperpyrexia; Pharmacogenic myopathy; Malignant hyperthermia suceptibility 1; RYR1-Related Malignant Hyperthermia Susceptibility. Identifiers: Orphanet 423, MedGen C2930980, MONDO:0007783, OMIM 145600.

gnomAD v4.1: 1 of 1,613,968 alleles (0.000062%); highest among the groups gnomAD compares: African/African-American, 0.0013%; no homozygotes.

Submission:

All of Us Research Program, National Institutes of Health
Classification: Uncertain significance for Malignant hyperthermia, susceptibility to, 1. Last evaluated: 2024-09-23. Review status: criteria provided, single submitter. Criteria: ACMG Guidelines, 2015. Collection method: clinical testing. Allele origin: germline. Inheritance: Autosomal dominant inheritance. Observed: 1 variant allele, 1 heterozygote.
Comment: This study involves interpretation of variants in research participants for the purpose of population health screening. Participant phenotype was not available at the time of variant classification. Additional details can be found in publication PMID: 35346344, PMCID: PMC8962531